The following is an entry in ClinVar:

ClinVar aggregate classification (germline): Benign/Likely benign. Review status: criteria provided, multiple submitters, no conflicts (2 of 4 stars). 4 submissions from 4 submitters: Benign (1); Likely benign (3). Last evaluated 2024-10-14.

Conditions:
SCAPER-related disorder. Also called: SCAPER-related condition.

Allele frequency attached by ClinVar (database versions not stated): gnomAD exomes 0.00006 and 0.00016; ExAC 0.00029; ESP Exome Variant Server 0.00042; gnomAD 0.00065 and 0.00069; TOPMed 0.00071; 1000 Genomes Project 30x 0.00156; 1000 Genomes Project 0.00180.
gnomAD v4.1: 205 of 1,611,292 alleles (0.013%); highest among the groups gnomAD compares: African/African-American, 0.22%; 1 homozygote.

Submissions (4):

PreventionGenetics, part of Exact Sciences
Classification: Likely benign for SCAPER-related condition. Last evaluated: 2024-10-14. Review status: criteria provided, single submitter. Criteria: ACMG Guidelines, 2015. Collection method: clinical testing. Allele origin: germline.
Comment: This variant is classified as likely benign based on ACMG/AMP sequence variant interpretation guidelines (Richards et al. 2015 PMID: 25741868, with internal and published modifications).

Blueprint Genetics
Classification: Likely benign. Last evaluated: 2024-09-24. Review status: criteria provided, single submitter. Criteria: ACMG Guidelines, 2015. Collection method: clinical testing. Allele origin: germline.

CeGaT Center for Human Genetics Tuebingen
Classification: Likely benign. Last evaluated: 2023-12-01. Review status: criteria provided, single submitter. Criteria: CeGaT Center For Human Genetics Tuebingen Variant Classification Criteria Version 2. Collection method: clinical testing. Allele origin: germline. Affected: yes. Observed: 1 variant allele.
Comment: SCAPER: BP4, BP7

Labcorp Genetics (formerly Invitae), Labcorp
Classification: Benign. Last evaluated: 2018-12-11. Review status: criteria provided, single submitter. Criteria: Invitae Variant Classification Sherloc (09022015). Collection method: clinical testing. Allele origin: germline.

NM_020843.4(SCAPER):c.24C>T (p.Ser8=)

Gene: SCAPER (S-phase cyclin A associated protein in the ER; minus strand). Cytogenetic location: 15q24.3.
Variant type: single nucleotide variant.
Coding change: c.24C>T on transcript NM_020843.4 (MANE Select); coding-DNA position 24, C replaced by T.
Protein change: p.Ser8=; no amino-acid change (serine 8 retained).
Molecular consequence: synonymous variant. On other transcripts: 5 prime UTR variant (3), non-coding transcript variant (1).
Genome position (GRCh38, 1-based): chr15:76,862,516, G>A on the plus strand (C>T on the coding strand, the complement: SCAPER is on the minus strand). VCF-style: chr15-76862516-G-A. GRCh37 (hg19) VCF-style: chr15-77154857-G-A.
Other names: c.24C>T, p.Ser8= (NM_001353009.2); c.-434C>T (NM_001353010.2); c.-497C>T (NM_001353011.2); c.-379C>T (NM_001353012.2); c.24C>T (NM_001353009.1).
Identifiers: ClinVar variation 778557 (VCV000778557.27), dbSNP rs115710749, ClinGen allele CA7675301.